The following is an entry in ClinVar:

ClinVar aggregate classification (germline): Conflicting classifications of pathogenicity. Review status: criteria provided, conflicting classifications (1 of 4 stars). 6 submissions from 6 submitters: Uncertain significance (3); Likely benign (2). 1 of the submissions does not count toward it. Last evaluated 2026-01-28.

Conditions:
Congenital myotonia, autosomal dominant form (THD). Also called: THOMSEN DISEASE; Myotonia congenita autosomal dominant. Identifiers: Orphanet 614, MedGen C2936781, MONDO:0008055, OMIM 160800.
Congenital myotonia, autosomal recessive form. Also called: BECKER DISEASE; Becker Generalized Myotonia; myotonia congenita, autosomal recessive. Identifiers: Orphanet 614, MedGen C0751360, MONDO:0009715, OMIM 255700.
CLCN1-related disorder. Also called: CLCN1-related condition.
Inborn genetic diseases. Identifiers: MedGen C0950123, MeSH D030342.

Allele frequency attached by ClinVar (database versions not stated): gnomAD exomes 0.00009 and 0.00027; ExAC 0.00034; 1000 Genomes Project 30x 0.00047; 1000 Genomes Project 0.00060; ESP Exome Variant Server 0.00069; gnomAD 0.00083 and 0.00091; TOPMed 0.00093.
gnomAD v4.1: 271 of 1,613,954 alleles (0.017%); highest among the groups gnomAD compares: African/African-American, 0.29%; 1 homozygote.

Submissions (6):

Labcorp Genetics (formerly Invitae), Labcorp
Classification: Likely benign for Congenital myotonia, autosomal recessive form; Congenital myotonia, autosomal dominant form. Last evaluated: 2026-01-28. Review status: criteria provided, single submitter. Criteria: Invitae Variant Classification Sherloc (09022015). Collection method: clinical testing. Allele origin: germline.

Ambry Genetics
Classification: Uncertain significance for Inborn genetic diseases. Last evaluated: 2025-03-22. Review status: criteria provided, single submitter. Criteria: Ambry Variant Classification Scheme 2023. Collection method: clinical testing. Allele origin: germline.

Athena Diagnostics
Classification: Uncertain significance. Last evaluated: 2023-04-19. Review status: criteria provided, single submitter. Criteria: Athena Diagnostics Criteria. Collection method: clinical testing. Allele origin: unknown.
Comment: Available data are insufficient to determine the clinical significance of the variant at this time. The frequency of this variant in the general population is higher than would generally be expected for pathogenic variants in this gene. Computational tools predict that this variant is not damaging.

GeneDx
Classification: Likely benign. Last evaluated: 2021-01-27. Review status: criteria provided, single submitter. Criteria: GeneDx Variant Classification Process June 2021. Collection method: clinical testing. Allele origin: germline. Affected: yes.

Revvity Omics, Revvity
Classification: Uncertain significance. Last evaluated: 2019-11-18. Review status: criteria provided, single submitter. Criteria: ACMG Guidelines, 2015. Collection method: clinical testing. Allele origin: germline.

PreventionGenetics, part of Exact Sciences
Classification: Likely benign for CLCN1-related condition. Last evaluated: 2022-05-17. Review status: no assertion criteria provided. Collection method: clinical testing. Allele origin: germline. Not counted in ClinVar's aggregate classification.
Comment: This variant is classified as likely benign based on ACMG/AMP sequence variant interpretation guidelines (Richards et al. 2015 PMID: 25741868, with internal and published modifications).

NM_000083.3(CLCN1):c.2834G>T (p.Gly945Val)

Gene: CLCN1 (chloride voltage-gated channel 1; plus strand). Cytogenetic location: 7q34.
Variant type: single nucleotide variant.
Coding change: c.2834G>T on transcript NM_000083.3 (MANE Select); coding-DNA position 2834, G replaced by T.
Protein change: p.Gly945Val; replaces glycine 945 with valine.
Molecular consequence: missense variant. On other transcripts: non-coding transcript variant (1).
Genome position (GRCh38, 1-based): chr7:143,351,832, G>T. VCF-style: chr7-143351832-G-T. GRCh37 (hg19) VCF-style: chr7-143048925-G-T.
Other names: short protein forms G945V.
Identifiers: ClinVar variation 706052 (VCV000706052.20), dbSNP rs139659129, ClinGen allele CA4537797.